The following is an entry in ClinVar:

ClinVar aggregate classification (germline): Uncertain significance (1 of 4 stars; one submission).

Allele frequency attached by ClinVar (database versions not stated): TOPMed 0.00006; gnomAD 0.00005; 1000 Genomes Project 30x 0.00016.

Submission:

GeneDx
Classification: Uncertain significance. Last evaluated: 2022-02-18. Review status: criteria provided, single submitter. Criteria: GeneDx Variant Classification Process June 2021. Collection method: clinical testing. Allele origin: germline. Affected: yes.
Comment: In silico analysis supports that this missense variant does not alter protein structure/function; Has not been previously published as pathogenic or benign to our knowledge

NM_000209.4(PDX1):c.134C>G (p.Pro45Arg)

Gene: PDX1 (pancreatic and duodenal homeobox 1; plus strand). Cytogenetic location: 13q12.2.
Variant type: single nucleotide variant.
Coding change: c.134C>G on transcript NM_000209.4 (MANE Select); coding-DNA position 134, C replaced by G.
Protein change: p.Pro45Arg; replaces proline 45 with arginine.
Molecular consequence: missense variant.
Genome position (GRCh38, 1-based): chr13:27,920,272, C>G. VCF-style: chr13-27920272-C-G. GRCh37 (hg19) VCF-style: chr13-28494409-C-G.
Other names: short protein forms P45R.
Identifiers: ClinVar variation 1702571 (VCV001702571.2), dbSNP rs1002026150, ClinGen allele CA247262959.